The following is an entry in ClinVar:

NM_005477.3(HCN4):c.3400G>A (p.Gly1134Ser)

Gene: HCN4 (hyperpolarization activated cyclic nucleotide gated potassium channel 4; minus strand). Cytogenetic location: 15q24.1.
Variant type: single nucleotide variant.
Coding change: c.3400G>A on transcript NM_005477.3 (MANE Select); coding-DNA position 3400, G replaced by A.
Protein change: p.Gly1134Ser; replaces glycine 1134 with serine.
Molecular consequence: missense variant.
Genome position (GRCh38, 1-based): chr15:73,322,693, C>T on the plus strand (G>A on the coding strand, the complement: HCN4 is on the minus strand). VCF-style: chr15-73322693-C-T. GRCh37 (hg19) VCF-style: chr15-73615034-C-T.
Other names: short protein forms G1134S.
Identifiers: ClinVar variation 3524364 (VCV003524364.1).

ClinVar aggregate classification (germline): Uncertain significance (1 of 4 stars; one submission).

Conditions:
Cardiovascular phenotype. Identifiers: MedGen CN230736.

gnomAD v4.1: 1 of 1,579,142 alleles (0.000063%); highest among the groups gnomAD compares: Non-Finnish European, 0.000086%; no homozygotes.

Submission:

Ambry Genetics
Classification: Uncertain significance for Cardiovascular phenotype. Last evaluated: 2024-11-17. Review status: criteria provided, single submitter. Criteria: Ambry Variant Classification Scheme 2023. Collection method: clinical testing. Allele origin: germline.
Comment: The p.G1134S variant (also known as c.3400G>A), located in coding exon 8 of the HCN4 gene, results from a G to A substitution at nucleotide position 3400. The glycine at codon 1134 is replaced by serine, an amino acid with similar properties. This amino acid position is conserved. In addition, the in silico prediction for this alteration is inconclusive. Based on the available evidence, the clinical significance of this variant remains unclear.